The following is an entry in ClinVar:

NM_018713.3(SLC30A10):c.1455T>A (p.Phe485Leu)

Gene: SLC30A10 (solute carrier family 30 member 10; minus strand). Cytogenetic location: 1q41.
Variant type: single nucleotide variant.
Coding change: c.1455T>A on transcript NM_018713.3 (MANE Select); coding-DNA position 1455, T replaced by A.
Protein change: p.Phe485Leu; replaces phenylalanine 485 with leucine.
Molecular consequence: missense variant.
Genome position (GRCh38, 1-based): chr1:219,915,452, A>T on the plus strand (T>A on the coding strand, the complement: SLC30A10 is on the minus strand). VCF-style: chr1-219915452-A-T. GRCh37 (hg19) VCF-style: chr1-220088794-A-T.
Other names: c.1266T>A, p.Phe422Leu (NM_001376929.1); c.780T>A, p.Phe260Leu (NM_001416004.1, NM_001416005.1); short protein forms F260L, F422L, F485L.
Identifiers: ClinVar variation 3900474 (VCV003900474.1).

ClinVar aggregate classification (germline): Uncertain significance (1 of 4 stars; one submission).

gnomAD v4.1: 6 of 1,612,904 alleles (0.00037%); highest among the groups gnomAD compares: Non-Finnish European, 0.00051%; no homozygotes.

Submission:

GeneDx
Classification: Uncertain significance. Last evaluated: 2024-11-23. Review status: criteria provided, single submitter. Criteria: GeneDx Variant Classification Process June 2021. Collection method: clinical testing. Allele origin: germline. Affected: yes.
Comment: Not observed at significant frequency in large population cohorts (gnomAD); In silico analysis indicates that this missense variant does not alter protein structure/function; Has not been previously published as pathogenic or benign to our knowledge